The following is an entry in ClinVar:

NM_000288.4(PEX7):c.803+5A>G

Gene: PEX7 (peroxisomal biogenesis factor 7; plus strand). Cytogenetic location: 6q23.3.
Variant type: single nucleotide variant.
Coding change: c.803+5A>G on transcript NM_000288.4 (MANE Select); 5 bases into the intron after coding-DNA position 803, A replaced by G.
Molecular consequence: intron variant.
Genome position (GRCh38, 1-based): chr6:136,872,258, A>G. VCF-style: chr6-136872258-A-G. GRCh37 (hg19) VCF-style: chr6-137193396-A-G.
Identifiers: ClinVar variation 818164 (VCV000818164.4), dbSNP rs759078908, ClinGen allele CA4017763.

ClinVar aggregate classification (germline): Uncertain significance. Review status: criteria provided, multiple submitters, no conflicts (2 of 4 stars). 2 submissions from 2 submitters: Uncertain significance (2). Last evaluated 2024-04-29.

Conditions:
Rhizomelic chondrodysplasia punctata type 1 (RCDP1). Also called: PEROXISOME BIOGENESIS DISORDER 9; CHONDRODYSTROPHIA CALCIFICANS PUNCTATA; PEX7-Related Rhizomelic Chondrodysplasia Punctata. Identifiers: Orphanet 177, Orphanet 309789, MedGen C1859133, MONDO:0008972, OMIM 215100. Disease mechanism: loss of function.
Peroxisome biogenesis disorder 9B. Also called: PEROXISOME BIOGENESIS DISORDER, PEX7-RELATED, ATYPICAL; PEX7-Related Refsum Disease; Refsum disease, adult, 2. Identifiers: Orphanet 773, MedGen C2749346, MONDO:0013945, OMIM 614879.

Allele frequency attached by ClinVar (database versions not stated): TOPMed 0.00002; gnomAD 0.00003; gnomAD exomes 0.00004 and 0.00005; ExAC 0.00008.
gnomAD v4.1: 65 of 1,608,268 alleles (0.004%); highest among the groups gnomAD compares: Non-Finnish European, 0.0049%; no homozygotes.

Submissions (2):

Women's Health and Genetics/Laboratory Corporation of America, LabCorp
Classification: Uncertain significance. Last evaluated: 2024-04-29. Review status: criteria provided, single submitter. Criteria: LabCorp Variant Classification Summary - May 2015. Collection method: clinical testing. Allele origin: germline.

Labcorp Genetics (formerly Invitae), Labcorp
Classification: Uncertain significance for Peroxisome biogenesis disorder 9B. Last evaluated: 2021-10-14. Review status: criteria provided, single submitter. Criteria: Invitae Variant Classification Sherloc (09022015). Collection method: clinical testing. Allele origin: germline.
Comment: This sequence change falls in intron 8 of the PEX7 gene. It does not directly change the encoded amino acid sequence of the PEX7 protein, but it affects a nucleotide within the consensus splice site of the intron. This variant is present in population databases (rs759078908, ExAC 0.01%). This variant has not been reported in the literature in individuals with PEX7-related conditions. Nucleotide substitutions within the consensus splice site are a relatively common cause of aberrant splicing (PMID: 17576681, 9536098). Algorithms developed to predict the effect of sequence changes on RNA splicing suggest that this variant may create or strengthen a splice site, but this prediction has not been confirmed by published transcriptional studies. In summary, the available evidence is currently insufficient to determine the role of this variant in disease. Therefore, it has been classified as a Variant of Uncertain Significance.

Literature cited by the submitters: PubMed 17576681 (cited by Labcorp Genetics (formerly Invitae), Labcorp); PubMed 9536098 (cited by Labcorp Genetics (formerly Invitae), Labcorp).